The following is an entry in ClinVar:

NM_000044.6(AR):c.2494C>G (p.Arg832Gly)

Gene: AR (androgen receptor; plus strand). Cytogenetic location: Xq12.
Variant type: single nucleotide variant.
Coding change: c.2494C>G on transcript NM_000044.6 (MANE Select); coding-DNA position 2494, C replaced by G.
Protein change: p.Arg832Gly; replaces arginine 832 with glycine.
Molecular consequence: missense variant.
Genome position (GRCh38, 1-based): chrX:67,722,871, C>G. VCF-style: chrX-67722871-C-G. GRCh37 (hg19) VCF-style: chrX-66942713-C-G.
Other names: c.898C>G, p.Arg300Gly (NM_001011645.3); short protein forms R300G, R832G.
Identifiers: ClinVar variation 1699233 (VCV001699233.3), dbSNP rs2147537840, ClinGen allele CA413427705.
Genomic context (GRCh38, chrX:67,722,871, plus strand): 5'-CTTCATCCCACATCAGTTCCAGTGGATGGGCTGAAAAATCAAAAATTCTTTGATGAACTT[C>G]GAATGAACTACATCAAGGAACTCGATCGTATCATTGCATGCAAAAGAAAAAATCCCACAT-3'
Protein context (NP_000035.2, residues 822-842): LKNQKFFDEL[Arg832Gly]MNYIKELDRI

ClinVar aggregate classification (germline): Pathogenic (1 of 4 stars; one submission).

Conditions:
Androgen resistance syndrome (AIS). Also called: Androgen insensitivity syndrome due to coactivator deficiency; Androgen insensitivity; ANDROGEN RECEPTOR DEFICIENCY; DIHYDROTESTOSTERONE RECEPTOR DEFICIENCY; DHTR DEFICIENCY; TESTICULAR FEMINIZATION SYNDROME. Identifiers: Orphanet 754, Orphanet 99429, MedGen C0039585, MONDO:0019154, OMIM 300068. Disease mechanism: loss of function.

Submission:

Victorian Clinical Genetics Services, Murdoch Childrens Research Institute
Classification: Pathogenic for Androgen resistance syndrome. Last evaluated: 2022-06-24. Review status: criteria provided, single submitter. Criteria: ACMG Guidelines, 2015. Collection method: clinical testing. Allele origin: germline. Inheritance: X-linked recessive inheritance.
Comment: Based on the classification scheme VCGS_Germline_v1.3.4, this variant is classified as Pathogenic. Following criteria are met: 0102 - Loss of function is a known mechanism of disease in this gene and is associated with androgen insensitivity (AIS; MIM#300068). (I) 0109 - This gene is associated with X-linked recessive disease. (I) 0200 - Variant is predicted to result in a missense amino acid change from arginine to glycine. (I) 0253 - This variant is hemizygous. (I) 0301 - Variant is absent from gnomAD (both v2 and v3). (SP) 0309 - An alternative amino acid change at the same position has been observed in gnomAD (v3) (1 heterozygote, 0 homozygotes). (I) 0501 - Missense variant consistently predicted to be damaging by multiple in silico tools or highly conserved with a major amino acid change. (SP) 0602 - Variant is located in a hotspot region or cluster of pathogenic variants in the ligand binding domain (DECIPHER, NCBI). (SP) 0701 - Other missense variants comparable to the one identified in this case have very strong previous evidence for pathogenicity. The variants p.(Arg832Gln), p.(Arg832Leu), and p.(Arg832Pro) have been observed in over nine individuals with complete androgen insensitivity (ClinVar, DECIPHER, PMIDs: 2082179, 7633398, 26778393, 29051026, 30815925, 30401990). (SP) 0807 - This variant has no previous evidence of pathogenicity. (I) 0905 - No published segregation evidence has been identified for this variant. (I) 1007 - No published functional evidence has been identified for this variant. (I) 1208 - Inheritance information for this variant is not currently available in this individual. (I) Legend: (SP) - Supporting pathogenic, (I) - Information, (SB) - Supporting benign

Literature cited by the submitters: PubMed 2082179; PubMed 7633398; PubMed 26778393; PubMed 29051026; PubMed 30401990; PubMed 30815925.